The following is an entry in ClinVar:

ClinVar aggregate classification (germline): Likely benign (1 of 4 stars; one submission).

Submission:

CeGaT Center for Human Genetics Tuebingen
Classification: Likely benign. Last evaluated: 2026-01-01. Review status: criteria provided, single submitter. Criteria: CeGaT Center For Human Genetics Tuebingen Variant Classification Criteria Version 2. Collection method: clinical testing. Allele origin: germline. Affected: yes. Observed: 2 variant alleles.
Comment: ZNF737: BP4, BP7

NM_001159293.2(ZNF737):c.843A>G (p.Gly281=)

Gene: ZNF737 (zinc finger protein 737; minus strand). Cytogenetic location: 19p12.
Variant type: single nucleotide variant.
Coding change: c.843A>G on transcript NM_001159293.2 (MANE Select); coding-DNA position 843, A replaced by G.
Protein change: p.Gly281=; no amino-acid change (glycine 281 retained).
Molecular consequence: synonymous variant.
Genome position (GRCh38, 1-based): chr19:20,545,360, T>C on the plus strand (A>G on the coding strand, the complement: ZNF737 is on the minus strand). VCF-style: chr19-20545360-T-C. GRCh37 (hg19) VCF-style: chr19-20728166-T-C.
Identifiers: ClinVar variation 3770662 (VCV003770662.13).
Genomic context (GRCh38, chr19:20,545,360, plus strand): 5'-AGTAAGGATAGAGGAGCGCTTAAAGGCCTTGCCACATTCTTCACATTTGTAGGGTTTCTC[T>C]CCAGTATGAATTATCTTATGTGTAGTAAGGTTAGAGGAGCGCTTAAAGGCCTTGCCACAT-3'
Protein context (NP_001152765.1, residues 271-291): NLTTHKIIHT[Gly281=]EKPYKCEECG